The following is an entry in ClinVar:

NM_006030.4(CACNA2D2):c.1259C>T (p.Thr420Met)

Gene: CACNA2D2 (calcium voltage-gated channel auxiliary subunit alpha2delta 2; minus strand). Cytogenetic location: 3p21.31.
Variant type: single nucleotide variant.
Coding change: c.1259C>T on transcript NM_006030.4 (MANE Select); coding-DNA position 1259, C replaced by T.
Protein change: p.Thr420Met; replaces threonine 420 with methionine.
Molecular consequence: missense variant.
Genome position (GRCh38, 1-based): chr3:50,379,093, G>A on the plus strand (C>T on the coding strand, the complement: CACNA2D2 is on the minus strand). VCF-style: chr3-50379093-G-A. GRCh37 (hg19) VCF-style: chr3-50416524-G-A.
Other names: c.1259C>T, p.Thr420Met (NM_001005505.3, NM_001174051.3); c.1052C>T, p.Thr351Met (NM_001291101.1); short protein forms T420M, T351M.
Identifiers: ClinVar variation 1391623 (VCV001391623.4), dbSNP rs781210506, ClinGen allele CA74615280.

ClinVar aggregate classification (germline): Uncertain significance (1 of 4 stars; one submission).

Conditions:
Developmental and epileptic encephalopathy. Identifiers: MedGen C5779964, MONDO:0100620.

Allele frequency attached by ClinVar (database versions not stated): gnomAD exomes below 0.00001 and 0.00001; gnomAD 0.00002; TOPMed 0.00002.
gnomAD v4.1: 14 of 1,613,530 alleles (0.00087%); highest among the groups gnomAD compares: East Asian, 0.0022%; no homozygotes.

Submission:

Labcorp Genetics (formerly Invitae), Labcorp
Classification: Uncertain significance for Early-infantile DEE. Last evaluated: 2021-08-09. Review status: criteria provided, single submitter. Criteria: Invitae Variant Classification Sherloc (09022015). Collection method: clinical testing. Allele origin: germline.
Comment: This sequence change replaces threonine with methionine at codon 420 of the CACNA2D2 protein (p.Thr420Met). The threonine residue is moderately conserved and there is a moderate physicochemical difference between threonine and methionine. This variant is not present in population databases (ExAC no frequency). This variant has not been reported in the literature in individuals affected with CACNA2D2-related conditions. Algorithms developed to predict the effect of missense changes on protein structure and function are either unavailable or do not agree on the potential impact of this missense change (SIFT: "Deleterious"; PolyPhen-2: "Probably Damaging"; Align-GVGD: "Class C0"). Algorithms developed to predict the effect of sequence changes on RNA splicing suggest that this variant may disrupt the consensus splice site. In summary, the available evidence is currently insufficient to determine the role of this variant in disease. Therefore, it has been classified as a Variant of Uncertain Significance.